The following is an entry in ClinVar:

NM_002047.4(GARS1):c.271G>A (p.Val91Ile)

Gene: GARS1 (glycyl-tRNA synthetase 1; plus strand). Cytogenetic location: 7p14.3.
Variant type: single nucleotide variant.
Coding change: c.271G>A on transcript NM_002047.4 (MANE Select); coding-DNA position 271, G replaced by A.
Protein change: p.Val91Ile; replaces valine 91 with isoleucine.
Molecular consequence: missense variant.
Genome position (GRCh38, 1-based): chr7:30,598,844, G>A. VCF-style: chr7-30598844-G-A. GRCh37 (hg19) VCF-style: chr7-30638460-G-A.
Other names: c.271G>A (LRG_243t1); c.109G>A, p.Val37Ile (NM_001316772.1); short protein forms V91I, V37I.
Identifiers: ClinVar variation 515220 (VCV000515220.4), dbSNP rs374616031, ClinGen allele CA4205636.

ClinVar aggregate classification (germline): Conflicting classifications of pathogenicity. Review status: criteria provided, conflicting classifications (1 of 4 stars). 3 submissions from 3 submitters: Uncertain significance (1); Likely benign (2). Last evaluated 2024-11-15.

Conditions:
Charcot-Marie-Tooth disease type 2. Also called: Charcot-Marie-Tooth type 2. Identifiers: Orphanet 64746, MedGen C0270914, MONDO:0018993.

Allele frequency attached by ClinVar (database versions not stated): gnomAD exomes 0.00001 and 0.00002; ExAC 0.00002; gnomAD 0.00002; TOPMed 0.00002; ESP Exome Variant Server 0.00008.
gnomAD v4.1: 20 of 1,614,060 alleles (0.0012%); highest among the groups gnomAD compares: Non-Finnish European, 0.0017%; no homozygotes.

Submissions (3):

Labcorp Genetics (formerly Invitae), Labcorp
Classification: Uncertain significance for Charcot-Marie-Tooth disease type 2. Last evaluated: 2024-11-15. Review status: criteria provided, single submitter. Criteria: Invitae Variant Classification Sherloc (09022015). Collection method: clinical testing. Allele origin: germline.
Comment: This sequence change replaces valine, which is neutral and non-polar, with isoleucine, which is neutral and non-polar, at codon 91 of the GARS protein (p.Val91Ile). This variant is present in population databases (rs374616031, gnomAD 0.004%). This variant has not been reported in the literature in individuals affected with GARS-related conditions. ClinVar contains an entry for this variant (Variation ID: 515220). Invitae Evidence Modeling of protein sequence and biophysical properties (such as structural, functional, and spatial information, amino acid conservation, physicochemical variation, residue mobility, and thermodynamic stability) indicates that this missense variant is not expected to disrupt GARS protein function with a negative predictive value of 95%. In summary, the available evidence is currently insufficient to determine the role of this variant in disease. Therefore, it has been classified as a Variant of Uncertain Significance.

Blueprint Genetics
Classification: Likely benign. Last evaluated: 2023-09-12. Review status: criteria provided, single submitter. Criteria: ACMG Guidelines, 2015. Collection method: clinical testing. Allele origin: germline.

GeneDx
Classification: Likely benign. Last evaluated: 2018-02-16. Review status: criteria provided, single submitter. Criteria: GeneDx Variant Classification (06012015). Collection method: clinical testing. Allele origin: germline. Affected: yes.
Comment: This variant is considered likely benign or benign based on one or more of the following criteria: it is a conservative change, it occurs at a poorly conserved position in the protein, it is predicted to be benign by multiple in silico algorithms, and/or has population frequency not consistent with disease.